The following is an entry in ClinVar:

NM_001242896.3(DEPDC5):c.146+1G>T

Gene: DEPDC5 (DEP domain containing 5, GATOR1 subcomplex subunit; plus strand). Cytogenetic location: 22q12.2.
Variant type: single nucleotide variant.
Coding change: c.146+1G>T on transcript NM_001242896.3 (MANE Select); the canonical splice donor site of the intron after coding-DNA position 146, G replaced by T.
Molecular consequence: splice donor variant.
Genome position (GRCh38, 1-based): chr22:31,758,634, G>T. VCF-style: chr22-31758634-G-T. GRCh37 (hg19) VCF-style: chr22-32154620-G-T.
Other names: c.146+1G>T (NM_001364318.2, NM_001136029.4, NM_014662.6 and 9 more transcripts).
Identifiers: ClinVar variation 4999138 (VCV004999138.1).

ClinVar aggregate classification (germline): Likely pathogenic (1 of 4 stars; one submission).

Conditions:
DEPDC5-related disorder. Also called: DEPDC5-related condition; DEPDC5-related related disorder.

Submission:

PreventionGenetics, part of Exact Sciences
Classification: Likely pathogenic for DEPDC5-related condition. Last evaluated: 2025-01-18. Review status: criteria provided, single submitter. Criteria: ACMG Guidelines, 2015. Collection method: clinical testing. Allele origin: germline.
Comment: The DEPDC5 c.146+1G>T variant is predicted to disrupt the GT donor site and interfere with normal splicing. To our knowledge, this variant has not been reported in the literature or in a large population database (gnomAD), indicating this variant is rare. Loss-of-function variants in DEPDC5, including those that disrupt consensus splice donor sites are expected to be pathogenic. This variant is interpreted as likely pathogenic.